The following is an entry in ClinVar:

ClinVar aggregate classification (germline): Uncertain significance. Review status: criteria provided, multiple submitters, no conflicts (2 of 4 stars). 2 submissions from 2 submitters: Uncertain significance (2). Last evaluated 2025-09-02.

Allele frequency attached by ClinVar (database versions not stated): gnomAD exomes below 0.00001 and 0.00001; ExAC 0.00001; gnomAD 0.00002; TOPMed 0.00002.

Submissions (2):

Labcorp Genetics (formerly Invitae), Labcorp
Classification: Uncertain significance. Last evaluated: 2025-09-02. Review status: criteria provided, single submitter. Criteria: Invitae Variant Classification Sherloc (09022015). Collection method: clinical testing. Allele origin: germline.
Comment: This sequence change replaces methionine, which is neutral and non-polar, with threonine, which is neutral and polar, at codon 110 of the IDH3A protein (p.Met110Thr). This variant is present in population databases (rs761686228, gnomAD 0.002%). This variant has not been reported in the literature in individuals affected with IDH3A-related conditions. ClinVar contains an entry for this variant (Variation ID: 1027205). Invitae Evidence Modeling of protein sequence and biophysical properties (such as structural, functional, and spatial information, amino acid conservation, physicochemical variation, residue mobility, and thermodynamic stability) indicates that this missense variant is not expected to disrupt IDH3A protein function with a negative predictive value of 80%. In summary, the available evidence is currently insufficient to determine the role of this variant in disease. Therefore, it has been classified as a Variant of Uncertain Significance.

Ambry Genetics
Classification: Uncertain significance. Last evaluated: 2025-08-10. Review status: criteria provided, single submitter. Criteria: Ambry Variant Classification Scheme 2023. Collection method: clinical testing. Allele origin: germline.

NM_005530.3(IDH3A):c.329T>C (p.Met110Thr)

Gene: IDH3A (isocitrate dehydrogenase (NAD(+)) 3 catalytic subunit alpha; plus strand). Cytogenetic location: 15q25.1.
Variant type: single nucleotide variant.
Coding change: c.329T>C on transcript NM_005530.3 (MANE Select); coding-DNA position 329, T replaced by C.
Protein change: p.Met110Thr; replaces methionine 110 with threonine.
Molecular consequence: missense variant.
Genome position (GRCh38, 1-based): chr15:78,161,620, T>C. VCF-style: chr15-78161620-T-C. GRCh37 (hg19) VCF-style: chr15-78453962-T-C.
Other names: c.329T>C (NM_005530.2); short protein forms M110T.
Identifiers: ClinVar variation 1027205 (VCV001027205.9), dbSNP rs761686228, ClinGen allele CA7680550.